The following is an entry in ClinVar:

NM_001035.3(RYR2):c.8298+5G>C

Gene: RYR2 (ryanodine receptor 2; plus strand). Cytogenetic location: 1q43.
Variant type: single nucleotide variant.
Coding change: c.8298+5G>C on transcript NM_001035.3 (MANE Select); 5 bases into the intron after coding-DNA position 8298, G replaced by C.
Molecular consequence: intron variant.
Genome position (GRCh38, 1-based): chr1:237,660,079, G>C. VCF-style: chr1-237660079-G-C. GRCh37 (hg19) VCF-style: chr1-237823379-G-C.
Identifiers: ClinVar variation 2774339 (VCV002774339.2), dbSNP rs773129405, ClinGen allele CA2651207614.
Genomic context (GRCh38, chr1:237,660,079, plus strand): 5'-CAGACTCTTCTAAGGTTCAGCCATTAATGAAGCCATATAAGCTATTGTCTGAAAAGGTAA[G>C]GATTTTTTGTTTGTTTTAGTTTGTAAAGTTTTTATTCTTTTGAAAAATGTGTTTTTTGGT-3'

ClinVar aggregate classification (germline): Uncertain significance (1 of 4 stars; one submission).

Conditions:
Cardiomyopathy (CMYO). Also called: Cardiomyopathies. Identifiers: Orphanet 167848, MedGen C0878544, MONDO:0004994, HP:0001638. Inheritance: Various modes of inheritance.

gnomAD v4.1: 1 of 1,476,448 alleles (0.000068%); highest among the groups gnomAD compares: Non-Finnish European, 0.00009%; no homozygotes.

Submission:

Color Diagnostics, LLC DBA Color Health
Classification: Uncertain significance for Cardiomyopathy. Last evaluated: 2023-04-24. Review status: criteria provided, single submitter. Criteria: ACMG Guidelines, 2015. Collection method: clinical testing. Allele origin: germline.
Comment: This variant causes a G to C nucleotide substitution at the +5 position of intron 55 of the RYR2 gene. To our knowledge, functional studies have not been reported for this variant. This variant has not been reported in individuals affected with RYR2-related disorders in the literature. This variant has not been identified in the general population by the Genome Aggregation Database (gnomAD). The available evidence is insufficient to determine the role of this variant in disease conclusively. Therefore, this variant is classified as a Variant of Uncertain Significance.